The following is an entry in ClinVar:

GRCh37/hg19 21q22.3(chr21:44762021-48097372)x1

Genes: ADARB1 (adenosine deaminase RNA specific B1; plus strand), AGPAT3 (1-acylglycerol-3-phosphate O-acyltransferase 3; plus strand), AIRE (autoimmune regulator; plus strand), C21orf58 (chromosome 21 open reading frame 58; minus strand), CFAP410 (cilia and flagella associated protein 410; minus strand) and 54 more. Cytogenetic location: 21q22.3.
Variant type: copy number loss.
Change: copy number 1 (one copy instead of two) of chr21:44,762,021-48,097,372 (3.34 Mb, GRCh37 coordinates, 1-based), cytogenetic band 21q22.3.
Identifiers: ClinVar variation 4682975 (VCV004682975.1).

ClinVar aggregate classification (germline): Pathogenic (1 of 4 stars; one submission).

Submission:

Quest Diagnostics Nichols Institute San Juan Capistrano
Classification: Pathogenic. Last evaluated: 2024-09-04. Review status: criteria provided, single submitter. Criteria: ACMG/ClinGen CNV Guidelines, 2019. Collection method: clinical testing. Allele origin: unknown.
Comment: This copy number loss involves several protein-coding genes. Heterozygous deletions either similar to or smaller than the current interval have been reported in individuals with various phenotypes (Egger 2014, Firth 2009, Kaminsky 2011, Poelmans 2009, Xu 2018). There are no similar copy number losses of this region in the general populations of the Database of Genomic Variants. Therefore, based on gene content and current medical literature, this copy number variant (CNV) is classified as pathogenic. References: Egger et al., Neurogenetics. 2014 May;15(2):117-27. PMID: 24643514 Firth et al., Am J Hum Genet. 2009 Apr;84(4):524-33. PMID: 19344873 Kaminsky et al., Genet Med. 2011 Sep;13(9):777-84. PMID: 21844811 Poelmans et al., Am J Med Genet B Neuropsychiatr Genet. 2009 Jan 5;150B(1):140-7. PMID: 18521840 Xu et al., Int J Clin Exp Pathol. 2018 Jul 1;11(7):3732-3743. PMID: 31949757